The following is an entry in ClinVar:

NM_000094.4(COL7A1):c.8415G>C (p.Gln2805His)

Gene: COL7A1 (collagen type VII alpha 1 chain; minus strand). Cytogenetic location: 3p21.31.
Variant type: single nucleotide variant.
Coding change: c.8415G>C on transcript NM_000094.4 (MANE Select); coding-DNA position 8415, G replaced by C.
Protein change: p.Gln2805His; replaces glutamine 2805 with histidine.
Molecular consequence: missense variant.
Genome position (GRCh38, 1-based): chr3:48,565,661, C>G on the plus strand (G>C on the coding strand, the complement: COL7A1 is on the minus strand). VCF-style: chr3-48565661-C-G. GRCh37 (hg19) VCF-style: chr3-48603094-C-G.
Other names: short protein forms Q2805H.
Identifiers: ClinVar variation 1496656 (VCV001496656.8), dbSNP rs778068500, ClinGen allele CA352635729.

ClinVar aggregate classification (germline): Uncertain significance (1 of 4 stars; one submission).

Submission:

Labcorp Genetics (formerly Invitae), Labcorp
Classification: Uncertain significance. Last evaluated: 2024-02-23. Review status: criteria provided, single submitter. Criteria: Invitae Variant Classification Sherloc (09022015). Collection method: clinical testing. Allele origin: germline.
Comment: This sequence change replaces glutamine, which is neutral and polar, with histidine, which is basic and polar, at codon 2805 of the COL7A1 protein (p.Gln2805His). This variant is not present in population databases (gnomAD no frequency). This variant has not been reported in the literature in individuals affected with COL7A1-related conditions. ClinVar contains an entry for this variant (Variation ID: 1496656). Advanced modeling of protein sequence and biophysical properties (such as structural, functional, and spatial information, amino acid conservation, physicochemical variation, residue mobility, and thermodynamic stability) performed at Invitae indicates that this missense variant is not expected to disrupt COL7A1 protein function with a negative predictive value of 95%. In summary, the available evidence is currently insufficient to determine the role of this variant in disease. Therefore, it has been classified as a Variant of Uncertain Significance.